The following is an entry in ClinVar:

NM_014049.5(ACAD9):c.38C>T (p.Ala13Val)

Gene: ACAD9 (acyl-CoA dehydrogenase family member 9; plus strand). Cytogenetic location: 3q21.3.
Variant type: single nucleotide variant.
Coding change: c.38C>T on transcript NM_014049.5 (MANE Select); coding-DNA position 38, C replaced by T.
Protein change: p.Ala13Val; replaces alanine 13 with valine.
Molecular consequence: missense variant. On other transcripts: 5 prime UTR variant (1), non-coding transcript variant (1).
Genome position (GRCh38, 1-based): chr3:128,879,729, C>T. VCF-style: chr3-128879729-C-T. GRCh37 (hg19) VCF-style: chr3-128598572-C-T.
Other names: c.-238C>T (NM_001410805.1); short protein forms A13V.
Identifiers: ClinVar variation 5000345 (VCV005000345.1).

ClinVar aggregate classification (germline): Uncertain significance (1 of 4 stars; one submission).

Conditions:
ACAD9-related disorder. Also called: ACAD9-related condition.

gnomAD v4.1: 6 of 1,612,644 alleles (0.00037%); highest among the groups gnomAD compares: Non-Finnish European, 0.00051%; no homozygotes.

Submission:

PreventionGenetics, part of Exact Sciences
Classification: Uncertain significance for ACAD9-related condition. Last evaluated: 2025-03-28. Review status: criteria provided, single submitter. Criteria: ACMG Guidelines, 2015. Collection method: clinical testing. Allele origin: germline.
Comment: The ACAD9 c.38C>T variant is predicted to result in the amino acid substitution p.Ala13Val. To our knowledge, this variant has not been reported in the literature. This variant is reported in 0.0036% of alleles in individuals of European (Non-Finnish) descent in gnomAD. At this time, the clinical significance of this variant is uncertain due to the absence of conclusive functional and genetic evidence.